The following is an entry in ClinVar:

ClinVar aggregate classification (germline): Pathogenic (1 of 4 stars; one submission).

Allele frequency attached by ClinVar (database versions not stated): gnomAD exomes below 0.00001.
gnomAD v4.1: 2 of 1,464,202 alleles (0.00014%); highest among the groups gnomAD compares: Non-Finnish European, 0.000089%; no homozygotes.

Submission:

Labcorp Genetics (formerly Invitae), Labcorp
Classification: Pathogenic. Last evaluated: 2025-04-09. Review status: criteria provided, single submitter. Criteria: Invitae Variant Classification Sherloc (09022015). Collection method: clinical testing. Allele origin: germline.
Comment: This sequence change creates a premature translational stop signal (p.Gln926*) in the ARHGEF18 gene. It is expected to result in an absent or disrupted protein product. Loss-of-function variants in ARHGEF18 are known to be pathogenic (PMID: 28132693). This variant is not present in population databases (gnomAD no frequency). This variant has not been reported in the literature in individuals affected with ARHGEF18-related conditions. ClinVar contains an entry for this variant (Variation ID: 1452236). For these reasons, this variant has been classified as Pathogenic.

Literature cited by the submitters: PubMed 28132693.

NM_001367823.1(ARHGEF18):c.3340C>T (p.Gln1114Ter)

Gene: ARHGEF18 (Rho/Rac guanine nucleotide exchange factor 18; plus strand). Cytogenetic location: 19p13.2.
Variant type: single nucleotide variant.
Coding change: c.3340C>T on transcript NM_001367823.1 (MANE Select); coding-DNA position 3340, C replaced by T.
Protein change: p.Gln1114Ter; replaces glutamine 1114 with a stop codon.
Molecular consequence: nonsense.
Genome position (GRCh38, 1-based): chr19:7,467,544, C>T. VCF-style: chr19-7467544-C-T. GRCh37 (hg19) VCF-style: chr19-7532430-C-T.
Other names: c.2614C>T, p.Gln872Ter (NM_001130955.2); c.2302C>T, p.Gln768Ter (NM_001367824.1, NM_015318.4); short protein forms Q1114*, Q872*, Q768*.
Identifiers: ClinVar variation 1452236 (VCV001452236.6), dbSNP rs2145912242, ClinGen allele CA403088990.